The following is an entry in ClinVar:

NM_012079.6(DGAT1):c.322C>G (p.Leu108Val)

Gene: DGAT1 (diacylglycerol O-acyltransferase 1; minus strand). Cytogenetic location: 8q24.3.
Variant type: single nucleotide variant.
Coding change: c.322C>G on transcript NM_012079.6 (MANE Select); coding-DNA position 322, C replaced by G.
Protein change: p.Leu108Val; replaces leucine 108 with valine.
Molecular consequence: missense variant.
Genome position (GRCh38, 1-based): chr8:144,319,035, G>C on the plus strand (C>G on the coding strand, the complement: DGAT1 is on the minus strand). VCF-style: chr8-144319035-G-C. GRCh37 (hg19) VCF-style: chr8-145542698-G-C.
Other names: short protein forms L108V.
Identifiers: ClinVar variation 1427106 (VCV001427106.6), dbSNP rs868936483, ClinGen allele CA372612874.

ClinVar aggregate classification (germline): Uncertain significance (1 of 4 stars; one submission).

Submission:

Labcorp Genetics (formerly Invitae), Labcorp
Classification: Uncertain significance. Last evaluated: 2021-11-22. Review status: criteria provided, single submitter. Criteria: Invitae Variant Classification Sherloc (09022015). Collection method: clinical testing. Allele origin: germline.
Comment: In summary, the available evidence is currently insufficient to determine the role of this variant in disease. Therefore, it has been classified as a Variant of Uncertain Significance. Algorithms developed to predict the effect of missense changes on protein structure and function (SIFT, PolyPhen-2, Align-GVGD) all suggest that this variant is likely to be tolerated. This variant has not been reported in the literature in individuals affected with DGAT1-related conditions. This variant is not present in population databases (gnomAD no frequency). This sequence change replaces leucine, which is neutral and non-polar, with valine, which is neutral and non-polar, at codon 108 of the DGAT1 protein (p.Leu108Val).